The following is an entry in ClinVar:

ClinVar aggregate classification (germline): Pathogenic (1 of 4 stars; one submission).

Conditions:
Congenital disorder of deglycosylation (CDDG). Identifiers: MedGen C3808991, MONDO:0031376.

Allele frequency attached by ClinVar (database versions not stated): TOPMed 0.00001; gnomAD 0.00002.

Submission:

Labcorp Genetics (formerly Invitae), Labcorp
Classification: Pathogenic for Congenital disorder of deglycosylation. Last evaluated: 2020-01-25. Review status: criteria provided, single submitter. Criteria: Invitae Variant Classification Sherloc (09022015). Collection method: clinical testing. Allele origin: germline.
Comment: This variant has not been reported in the literature in individuals with NGLY1-related disease. Loss-of-function variants in NGLY1 are known to be pathogenic (PMID: 24651605). For these reasons, this variant has been classified as Pathogenic. This variant is not present in population databases (ExAC no frequency). This sequence change creates a premature translational stop signal (p.Cys286Phefs*5) in the NGLY1 gene. It is expected to result in an absent or disrupted protein product.

Literature cited by the submitters: PubMed 24651605.

NM_018297.4(NGLY1):c.857_873del (p.Cys286fs)

Gene: NGLY1 (N-glycanase 1; minus strand). Cytogenetic location: 3p24.2.
Variant type: Deletion.
Coding change: c.857_873del on transcript NM_018297.4 (MANE Select); coding-DNA positions 857 to 873, 17 bases deleted (GCCAGTTCAGCAATCGA).
Protein change: p.Cys286fs; shifts the reading frame from cysteine 286.
Molecular consequence: frameshift variant.
Genome position (GRCh38, 1-based): chr3:25,739,585-25,739,601, TCGATTGCTGAACTGGC deleted on the plus strand (GCCAGTTCAGCAATCGA on the coding strand, the reverse complement: NGLY1 is on the minus strand). VCF-style (leftmost placement, unchanged base first): chr3-25739584-ATCGATTGCTGAACTGGC-A. GRCh37 (hg19) VCF-style: chr3-25781075-ATCGATTGCTGAACTGGC-A.
Other names: c.857_873del, p.Cys286fs (NM_001145293.2, NM_001145295.2); c.731_747del, p.Cys244fs (NM_001145294.2); short protein forms C286fs, C244fs.
Identifiers: ClinVar variation 541255 (VCV000541255.6), dbSNP rs1375323331, ClinGen allele CA541720014.
Genomic context (GRCh38, chr3:25,739,584, plus strand): 5'-TTCTAACTATTTCATTAAGAGATTATTCTGATTTTACCATCCAGGGCACCCACCTTGGGA[ATCGATTGCTGAACTGGC>A]AGGCATCACAGTAATGATCTTCCACTTCCTTTGCACCCCACTTCAGCTCATCATCACTGG-3'